The following is an entry in ClinVar:

ClinVar aggregate classification (germline): Uncertain significance (1 of 4 stars; one submission).

Conditions:
Epidermolysis bullosa simplex 5C, with pyloric atresia (EBS5C). Also called: Epidermolysis bullosa simplex with pyloric atresia; PLEC-Related Epidermolysis Bullosa with Pyloric Atresia; PLEC1-Related Epidermolysis Bullosa with Pyloric Atresia. Identifiers: Orphanet 158684, MedGen C2677349, MONDO:0012807, OMIM 612138.
Epidermolysis bullosa simplex 5B, with muscular dystrophy (EBS5B). Also called: Epidermolysis bullosa simplex with muscular dystrophy; EPIDERMOLYSIS BULLOSA SIMPLEX AND LIMB-GIRDLE MUSCULAR DYSTROPHY. Identifiers: Orphanet 257, MedGen C2931072, MONDO:0009181, OMIM 226670.
Epidermolysis bullosa simplex, Ogna type (EBS5A). Also called: Pidermolysis bullosa simplex 5A, Ogna type; EPIDERMOLYSIS BULLOSA SIMPLEX 5A, OGNA TYPE. Identifiers: Orphanet 79401, MedGen C0432317, MONDO:0007555, OMIM 131950.
Epidermolysis bullosa simplex with nail dystrophy (EBS5D). Identifiers: MedGen C4225309, MONDO:0014661, OMIM 616487.
Autosomal recessive limb-girdle muscular dystrophy type 2Q (LGMDR17). Also called: MUSCULAR DYSTROPHY, LIMB-GIRDLE, AUTOSOMAL RECESSIVE 17. Identifiers: Orphanet 254361, MedGen C3150989, MONDO:0013390, OMIM 613723.

Allele frequency attached by ClinVar (database versions not stated): gnomAD exomes below 0.00001 and 0.00001.
gnomAD v4.1: 6 of 1,577,486 alleles (0.00038%); highest among the groups gnomAD compares: Non-Finnish European, 0.00034%; no homozygotes.

Submission:

Labcorp Genetics (formerly Invitae), Labcorp
Classification: Uncertain significance for Autosomal recessive limb-girdle muscular dystrophy type 2Q; Epidermolysis bullosa simplex, Ogna type; Epidermolysis bullosa simplex with nail dystrophy; Epidermolysis bullosa simplex 5C, with pyloric atresia; Epidermolysis bullosa simplex 5B, with muscular dystrophy. Last evaluated: 2023-10-13. Review status: criteria provided, single submitter. Criteria: Invitae Variant Classification Sherloc (09022015). Collection method: clinical testing. Allele origin: germline.
Comment: This sequence change replaces glutamic acid, which is acidic and polar, with alanine, which is neutral and non-polar, at codon 1574 of the PLEC protein (p.Glu1574Ala). This variant is present in population databases (no rsID available, gnomAD no frequency). This variant has not been reported in the literature in individuals affected with PLEC-related conditions. ClinVar contains an entry for this variant (Variation ID: 655807). Advanced modeling of protein sequence and biophysical properties (such as structural, functional, and spatial information, amino acid conservation, physicochemical variation, residue mobility, and thermodynamic stability) performed at Invitae indicates that this missense variant is not expected to disrupt PLEC protein function. In summary, the available evidence is currently insufficient to determine the role of this variant in disease. Therefore, it has been classified as a Variant of Uncertain Significance.

NM_201384.3(PLEC):c.4640A>C (p.Glu1547Ala)

Gene: PLEC (plectin; minus strand). Cytogenetic location: 8q24.3.
Variant type: single nucleotide variant.
Coding change: c.4640A>C on transcript NM_201384.3 (MANE Select); coding-DNA position 4640, A replaced by C.
Protein change: p.Glu1547Ala; replaces glutamic acid 1547 with alanine.
Molecular consequence: missense variant.
Genome position (GRCh38, 1-based): chr8:143,925,289, T>G on the plus strand (A>C on the coding strand, the complement: PLEC is on the minus strand). VCF-style: chr8-143925289-T-G. GRCh37 (hg19) VCF-style: chr8-144999457-T-G.
Other names: c.4721A>C, p.Glu1574Ala (NM_000445.5); c.4598A>C, p.Glu1533Ala (NM_201378.4); c.4574A>C, p.Glu1525Ala (NM_201379.3); c.5051A>C, p.Glu1684Ala (NM_201380.4); c.4544A>C, p.Glu1515Ala (NM_201381.3); c.4640A>C, p.Glu1547Ala (NM_201382.4); c.4652A>C, p.Glu1551Ala (NM_201383.3); short protein forms E1515A, E1574A, E1533A, E1547A, E1525A, E1551A, E1684A.
Identifiers: ClinVar variation 655807 (VCV000655807.6), dbSNP rs1554701799, ClinGen allele CA372554523.